The following is an entry in ClinVar:

NM_001083116.3(PRF1):c.241C>T (p.Gln81Ter)

Gene: PRF1 (perforin 1; minus strand). Cytogenetic location: 10q22.1.
Variant type: single nucleotide variant.
Coding change: c.241C>T on transcript NM_001083116.3 (MANE Select); coding-DNA position 241, C replaced by T.
Protein change: p.Gln81Ter; replaces glutamine 81 with a stop codon.
Molecular consequence: nonsense.
Genome position (GRCh38, 1-based): chr10:70,600,662, G>A on the plus strand (C>T on the coding strand, the complement: PRF1 is on the minus strand). VCF-style: chr10-70600662-G-A. GRCh37 (hg19) VCF-style: chr10-72360418-G-A.
Other names: c.241C>T, p.Gln81Ter (NM_005041.6); short protein forms Q81*.
Identifiers: ClinVar variation 2804416 (VCV002804416.3), dbSNP rs2493487679, ClinGen allele CA376959808.

ClinVar aggregate classification (germline): Pathogenic (1 of 4 stars; one submission).

Conditions:
Familial hemophagocytic lymphohistiocytosis 2 (FHL2). Also called: PRF1-Related Familial Hemophagocytic Lymphohistiocytosis (PRF1-fHLH). Identifiers: Orphanet 540, MedGen C1863727, MONDO:0011337, OMIM 603553.

Submission:

Labcorp Genetics (formerly Invitae), Labcorp
Classification: Pathogenic for Familial hemophagocytic lymphohistiocytosis 2. Last evaluated: 2023-11-19. Review status: criteria provided, single submitter. Criteria: Invitae Variant Classification Sherloc (09022015). Collection method: clinical testing. Allele origin: germline.
Comment: This sequence change creates a premature translational stop signal (p.Gln81*) in the PRF1 gene. It is expected to result in an absent or disrupted protein product. Loss-of-function variants in PRF1 are known to be pathogenic (PMID: 1156555, 16860143). This variant is not present in population databases (gnomAD no frequency). This variant has not been reported in the literature in individuals affected with PRF1-related conditions. For these reasons, this variant has been classified as Pathogenic.

Literature cited by the submitters: PubMed 1156555; PubMed 16860143.